The following is an entry in ClinVar:

ClinVar aggregate classification (germline): Uncertain significance. Review status: criteria provided, multiple submitters, no conflicts (2 of 4 stars). 2 submissions from 2 submitters: Uncertain significance (2). Last evaluated 2024-12-02.

Conditions:
Inborn genetic diseases. Identifiers: MedGen C0950123, MeSH D030342.

Submissions (2):

GeneDx
Classification: Uncertain significance. Last evaluated: 2024-12-02. Review status: criteria provided, single submitter. Criteria: GeneDx Variant Classification Process June 2021. Collection method: clinical testing. Allele origin: germline. Affected: yes.
Comment: In silico analysis indicates that this missense variant does not alter protein structure/function; Has not been previously published as pathogenic or benign to our knowledge

Ambry Genetics
Classification: Uncertain significance for Inborn genetic diseases. Last evaluated: 2024-06-04. Review status: criteria provided, single submitter. Criteria: Ambry Variant Classification Scheme 2023. Collection method: clinical testing. Allele origin: germline.

NM_001367561.1(DOCK7):c.5826G>T (p.Met1942Ile)

Gene: DOCK7 (dedicator of cytokinesis 7; minus strand). Cytogenetic location: 1p31.3.
Variant type: single nucleotide variant.
Coding change: c.5826G>T on transcript NM_001367561.1 (MANE Select); coding-DNA position 5826, G replaced by T.
Protein change: p.Met1942Ile; replaces methionine 1942 with isoleucine.
Molecular consequence: missense variant.
Genome position (GRCh38, 1-based): chr1:62,475,842, C>A on the plus strand (G>T on the coding strand, the complement: DOCK7 is on the minus strand). VCF-style: chr1-62475842-C-A. GRCh37 (hg19) VCF-style: chr1-62941513-C-A.
Other names: c.5793G>T, p.Met1931Ile (NM_001271999.2); c.5706G>T, p.Met1902Ile (NM_001272000.2); c.5700G>T, p.Met1900Ile (NM_001272001.2); c.5799G>T, p.Met1933Ile (NM_001330614.2); c.5733G>T, p.Met1911Ile (NM_033407.4); c.5793G>T (NM_001271999.1); short protein forms M1911I, M1900I, M1902I, M1942I, M1931I, M1933I.
Identifiers: ClinVar variation 3273413 (VCV003273413.2).